The following is an entry in ClinVar:

NM_001199138.2(NLRC4):c.2793dup (p.Gly932fs)

Gene: NLRC4 (NLR family CARD domain containing 4; minus strand). Cytogenetic location: 2p22.3.
Variant type: Duplication.
Coding change: c.2793dup on transcript NM_001199138.2 (MANE Select); coding-DNA position 2793, one base duplicated (T; older notation c.2793dupT).
Protein change: p.Gly932fs; shifts the reading frame from glycine 932.
Molecular consequence: frameshift variant.
Genome position (GRCh38, 1-based): chr2:32,224,755, A duplicated on the plus strand (T on the coding strand, the reverse complement: NLRC4 is on the minus strand); the first of 6 consecutive A bases (chr2:32,224,755-32,224,760); duplicating any one gives the same sequence. VCF-style (leftmost placement, unchanged base first): chr2-32224754-C-CA. GRCh37 (hg19) VCF-style: chr2-32449823-C-CA.
Other names: c.2788dup, p.Gly932Trpfs (NM_001199139.2, NM_021209.5); c.793dup, p.Gly267Trpfs (NM_001302504.2); short protein forms G267fs, G932fs.
Identifiers: ClinVar variation 1302964 (VCV001302964.7), dbSNP rs2148927621, ClinGen allele CA531518356.

ClinVar aggregate classification (germline): Uncertain significance. Review status: criteria provided, multiple submitters, no conflicts (2 of 4 stars). 2 submissions from 2 submitters: Uncertain significance (2). Last evaluated 2025-09-02.

Conditions:
Familial cold autoinflammatory syndrome 4 (FCAS4). Identifiers: Orphanet 47045, Orphanet 576349, MedGen C4015276, MONDO:0014498, OMIM 616115.
Periodic fever-infantile enterocolitis-autoinflammatory syndrome. Also called: Autoinflammation with infantile enterocolitis. Identifiers: Orphanet 436166, MedGen C4015067, MONDO:0014472, OMIM 616050.

Submissions (2):

Labcorp Genetics (formerly Invitae), Labcorp
Classification: Uncertain significance for Periodic fever-infantile enterocolitis-autoinflammatory syndrome; Familial cold autoinflammatory syndrome 4. Last evaluated: 2025-09-02. Review status: criteria provided, single submitter. Criteria: Invitae Variant Classification Sherloc (09022015). Collection method: clinical testing. Allele origin: germline.
Comment: This sequence change creates a premature translational stop signal (p.Gly932Trpfs*21) in the NLRC4 gene. While this is not anticipated to result in nonsense mediated decay, it is expected to disrupt the last 93 amino acid(s) of the NLRC4 protein. This variant is not present in population databases (gnomAD no frequency). This variant has not been reported in the literature in individuals affected with NLRC4-related conditions. ClinVar contains an entry for this variant (Variation ID: 1302964). Experimental studies and prediction algorithms are not available or were not evaluated, and the functional significance of this variant is currently unknown. In summary, the available evidence is currently insufficient to determine the role of this variant in disease. Therefore, it has been classified as a Variant of Uncertain Significance.

GeneDx
Classification: Uncertain significance. Last evaluated: 2019-06-28. Review status: criteria provided, single submitter. Criteria: GeneDx Variant Classification Process June 2021. Collection method: clinical testing. Allele origin: germline. Affected: yes.
Comment: Not observed in large population cohorts (Lek et al., 2016); Frameshift variant predicted to result in protein truncation as the last 93 amino acids are lost and replaced with 20 incorrect amino acids, although loss-of-function variants have not been reported downstream of this position in the protein; Has not been previously published as pathogenic or benign to our knowledge